The following is an entry in ClinVar:

ClinVar aggregate classification (germline): Uncertain significance (1 of 4 stars; one submission).

gnomAD v4.1: 4 of 1,613,964 alleles (0.00025%); highest among the groups gnomAD compares: Non-Finnish European, 0.00017%; no homozygotes.

Submission:

Labcorp Genetics (formerly Invitae), Labcorp
Classification: Uncertain significance. Last evaluated: 2025-12-26. Review status: criteria provided, single submitter. Criteria: Invitae Variant Classification Sherloc (09022015). Collection method: clinical testing. Allele origin: germline.
Comment: This sequence change replaces glutamic acid, which is acidic and polar, with lysine, which is basic and polar, at codon 433 of the TET2 protein (p.Glu433Lys). This variant is present in population databases (no rsID available, gnomAD 0.01%). This variant has not been reported in the literature in individuals affected with TET2-related conditions. An algorithm developed to predict the effect of missense changes on protein structure and function (PolyPhen-2) suggests that this variant is likely to be tolerated. In summary, the available evidence is currently insufficient to determine the role of this variant in disease. Therefore, it has been classified as a Variant of Uncertain Significance.

NM_001127208.3(TET2):c.1297G>A (p.Glu433Lys)

Genes: TET2 (tet methylcytosine dioxygenase 2; plus strand), TET2-AS1 (TET2 antisense RNA 1; minus strand). Cytogenetic location: 4q24.
Variant type: single nucleotide variant.
Coding change: c.1297G>A on transcript NM_001127208.3 (MANE Select); coding-DNA position 1297, G replaced by A.
Protein change: p.Glu433Lys; replaces glutamic acid 433 with lysine.
Molecular consequence: missense variant.
Genome position (GRCh38, 1-based): chr4:105,235,239, G>A. VCF-style: chr4-105235239-G-A. GRCh37 (hg19) VCF-style: chr4-106156396-G-A.
Other names: c.1297G>A, p.Glu433Lys (NM_017628.4); short protein forms E433K.
Identifiers: ClinVar variation 4692428 (VCV004692428.1).
Genomic context (GRCh38, chr4:105,235,239, plus strand): 5'-CCACAGGTTCCTCAGCTTCCTTCAGAAGGAAAAAGCACTCTGAATGGTGGAGTTTTAGAA[G>A]AACACCACCACTACCCCAACCAAAGTAACACAACACTTTTAAGGGAAGTGAAAATAGAGG-3'
Protein context (NP_001120680.1, residues 423-443): KSTLNGGVLE[Glu433Lys]HHHYPNQSNT